The following is an entry in ClinVar:

ClinVar aggregate classification (germline): Benign/Likely benign. Review status: criteria provided, multiple submitters, no conflicts (2 of 4 stars). 11 submissions from 11 submitters: Benign (8); Likely benign (1). 2 of the submissions do not count toward it. Last evaluated 2026-06-19.

Conditions:
Inborn genetic diseases. Identifiers: MedGen C0950123, MeSH D030342.
Multiple congenital anomalies-hypotonia-seizures syndrome 1 (MCAHS1). Also called: PIGN-CDG; Congenital disorder of glycosylation due to PIGN deficiency; GLYCOSYLPHOSPHATIDYLINOSITOL BIOSYNTHESIS DEFECT 3. Identifiers: Orphanet 280633, MedGen C3279775, MONDO:0013563, OMIM 614080.

Allele frequency attached by ClinVar (database versions not stated): gnomAD 0.56637 and 0.57246; ESP Exome Variant Server 0.56953; TOPMed 0.57497; 1000 Genomes Project 30x 0.58932; 1000 Genomes Project 0.59065; ExAC 0.61355; gnomAD exomes 0.62149 and 0.62196.
gnomAD v4.1: 989,878 of 1,605,232 alleles (62%); highest among the groups gnomAD compares: Admixed American, 70%; 308,336 homozygotes.

Submissions (11):

Women's Health and Genetics/Laboratory Corporation of America, LabCorp
Classification: Benign. Last evaluated: 2026-06-19. Review status: criteria provided, single submitter. Criteria: LabCorp Variant Classification Summary - May 2015. Collection method: clinical testing. Allele origin: germline.

Labcorp Genetics (formerly Invitae), Labcorp
Classification: Benign for Multiple congenital anomalies-hypotonia-seizures syndrome 1. Last evaluated: 2026-02-04. Review status: criteria provided, single submitter. Criteria: Invitae Variant Classification Sherloc (09022015). Collection method: clinical testing. Allele origin: germline.

Blueprint Genetics
Classification: Likely benign. Last evaluated: 2024-11-28. Review status: criteria provided, single submitter. Criteria: ACMG Guidelines, 2015. Collection method: clinical testing. Allele origin: germline.

Mayo Clinic Laboratories, Mayo Clinic
Classification: Benign. Last evaluated: 2021-11-29. Review status: criteria provided, single submitter. Criteria: ACMG Guidelines, 2015. Collection method: clinical testing. Allele origin: germline. Observed: 248 variant alleles.

Genome-Nilou Lab
Classification: Benign for Multiple congenital anomalies-hypotonia-seizures syndrome 1. Last evaluated: 2021-09-05. Review status: criteria provided, single submitter. Criteria: ACMG Guidelines, 2015. Collection method: clinical testing. Allele origin: germline. Affected: no.

Laboratory for Molecular Medicine, Mass General Brigham Personalized Medicine
Classification: Benign. Last evaluated: 2016-03-29. Review status: criteria provided, single submitter. Criteria: LMM Criteria. Collection method: clinical testing. Allele origin: germline.
Comment: Variant identified in a genome or exome case(s) and assessed due to predicted null impact of the variant or pathogenic assertions in the literature or databases. Disclaimer: This variant has not undergone full assessment. The following are preliminary notes: Frequency

Ambry Genetics
Classification: Benign for Inborn genetic diseases. Last evaluated: 2016-03-11. Review status: criteria provided, single submitter. Criteria: Ambry Variant Classification Scheme 2023. Collection method: clinical testing. Allele origin: germline.

GeneDx
Classification: Benign. Last evaluated: 2015-03-03. Review status: criteria provided, single submitter. Criteria: GeneDx Variant Classification Process June 2021. Collection method: clinical testing. Allele origin: germline. Affected: yes.

Breakthrough Genomics
Classification: Benign. Review status: criteria provided, single submitter. Criteria: ACMG Guidelines, 2015. Collection method: not provided. Allele origin: germline. Inheritance: Autosomal recessive inheritance. Affected: yes.

Diagnostic Laboratory, Department of Genetics, University Medical Center Groningen
Classification: Benign for Multiple congenital anomalies-hypotonia-seizures syndrome 1. Review status: no assertion criteria provided. Collection method: clinical testing. Allele origin: germline. Affected: yes. Study: VKGL Data-share Consensus. Not counted in ClinVar's aggregate classification.

Genome Diagnostics Laboratory, University Medical Center Utrecht
Classification: Benign. Review status: no assertion criteria provided. Collection method: clinical testing. Allele origin: germline. Affected: yes. Study: VKGL Data-share Consensus. Not counted in ClinVar's aggregate classification.

NM_176787.5(PIGN):c.741C>T (p.His247=)

Gene: PIGN (phosphatidylinositol glycan anchor biosynthesis class N; minus strand). Cytogenetic location: 18q21.33.
Variant type: single nucleotide variant.
Coding change: c.741C>T on transcript NM_176787.5 (MANE Select); coding-DNA position 741, C replaced by T.
Protein change: p.His247=; no amino-acid change (histidine 247 retained).
Molecular consequence: synonymous variant.
Genome position (GRCh38, 1-based): chr18:62,147,035, G>A on the plus strand (C>T on the coding strand, the complement: PIGN is on the minus strand). VCF-style: chr18-62147035-G-A. GRCh37 (hg19) VCF-style: chr18-59814268-G-A.
Other names: p.His247=; c.741C>T, p.His247= (NM_012327.6).
Identifiers: ClinVar variation 403307 (VCV000403307.25), dbSNP rs9320000, ClinGen allele CA8982514.